The following is an entry in ClinVar:

ClinVar aggregate classification (germline): Uncertain significance (1 of 4 stars; one submission).

Conditions:
Fanconi anemia complementation group J. Also called: BRIP1-Related Fanconi Anemia. Identifiers: Orphanet 84, MedGen C1836860, MONDO:0012187, OMIM 609054.
Familial cancer of breast. Also called: BREAST CANCER, FAMILIAL; Hereditary breast cancer; hereditary breast carcinoma. Identifiers: Orphanet 227535, MedGen C0346153, MONDO:0016419, OMIM 114480. Disease mechanism: loss of function.

Submission:

Labcorp Genetics (formerly Invitae), Labcorp
Classification: Uncertain significance for Familial cancer of breast; Fanconi anemia complementation group J. Last evaluated: 2024-09-14. Review status: criteria provided, single submitter. Criteria: Invitae Variant Classification Sherloc (09022015). Collection method: clinical testing. Allele origin: germline.
Comment: This sequence change replaces histidine, which is basic and polar, with glutamine, which is neutral and polar, at codon 181 of the BRIP1 protein (p.His181Gln). This variant is not present in population databases (gnomAD no frequency). This variant has not been reported in the literature in individuals affected with BRIP1-related conditions. Invitae Evidence Modeling of protein sequence and biophysical properties (such as structural, functional, and spatial information, amino acid conservation, physicochemical variation, residue mobility, and thermodynamic stability) indicates that this missense variant is not expected to disrupt BRIP1 protein function with a negative predictive value of 80%. In summary, the available evidence is currently insufficient to determine the role of this variant in disease. Therefore, it has been classified as a Variant of Uncertain Significance.

NM_032043.3(BRIP1):c.543C>G (p.His181Gln)

Gene: BRIP1 (BRCA1 interacting DNA helicase 1; minus strand). Cytogenetic location: 17q23.2.
Variant type: single nucleotide variant.
Coding change: c.543C>G on transcript NM_032043.3 (MANE Select); coding-DNA position 543, C replaced by G.
Protein change: p.His181Gln; replaces histidine 181 with glutamine.
Molecular consequence: missense variant.
Genome position (GRCh38, 1-based): chr17:61,847,185, G>C on the plus strand (C>G on the coding strand, the complement: BRIP1 is on the minus strand). VCF-style: chr17-61847185-G-C. GRCh37 (hg19) VCF-style: chr17-59924546-G-C.
Other names: short protein forms H181Q.
Identifiers: ClinVar variation 3758819 (VCV003758819.2).
Genomic context (GRCh38, chr17:61,847,185, plus strand): 5'-CTTTTCCAGTGGAGAGTTGAGTTTTACAGTCTTTCCTGAATCAACTTTTGCATCCAAATT[G>C]TGTACTTCTGTTCCAAAGCAATGACGTTTTCTAATCTGTAAACACAGAACCAAAATGAAG-3'
Protein context (NP_114432.2, residues 171-191): RKRHCFGTEV[His181Gln]NLDAKVDSGK